The following is an entry in ClinVar:

ClinVar aggregate classification (germline): Likely benign (1 of 4 stars; one submission).

Allele frequency attached by ClinVar (database versions not stated): gnomAD 0.00001; gnomAD exomes 0.00001; ExAC 0.00002.
gnomAD v4.1: 14 of 1,489,724 alleles (0.00094%); highest among the groups gnomAD compares: East Asian, 0.0022%; no homozygotes.

Submission:

CeGaT Center for Human Genetics Tuebingen
Classification: Likely benign. Last evaluated: 2023-06-01. Review status: criteria provided, single submitter. Criteria: CeGaT Center For Human Genetics Tuebingen Variant Classification Criteria Version 2. Collection method: clinical testing. Allele origin: germline. Affected: yes. Observed: 1 variant allele.
Comment: ATAD3A: BP4, BP7

NM_001170535.3(ATAD3A):c.414G>A (p.Arg138=)

Gene: ATAD3A (ATPase family AAA domain containing 3A; plus strand). Cytogenetic location: 1p36.33.
Variant type: single nucleotide variant.
Coding change: c.414G>A on transcript NM_001170535.3 (MANE Select); coding-DNA position 414, G replaced by A.
Protein change: p.Arg138=; no amino-acid change (arginine 138 retained).
Molecular consequence: synonymous variant.
Genome position (GRCh38, 1-based): chr1:1,517,745, G>A. VCF-style: chr1-1517745-G-A. GRCh37 (hg19) VCF-style: chr1-1453125-G-A.
Other names: c.177G>A, p.Arg59= (NM_001170536.3); c.558G>A, p.Arg186= (NM_018188.5).
Identifiers: ClinVar variation 2638023 (VCV002638023.24), dbSNP rs747116778, ClinGen allele CA525730.
Genomic context (GRCh38, chr1:1,517,745, plus strand): 5'-GATGTGTCTTTGCCGCCCTCTTCTCCCCCAGAGGGCCCAGTATCAAGACAAGCTGGCCCG[G>A]CAGCGCTACGAGGACCAACTGAAGCAGCAGGTGAGCTCAGCCTCCCCTGCGAGGCGCCTG-3'
Protein context (NP_001164006.1, residues 128-148): ARAQYQDKLA[Arg138=]QRYEDQLKQQ